The following is an entry in ClinVar:

ClinVar aggregate classification (germline): Likely benign (1 of 4 stars; one submission).

Allele frequency attached by ClinVar (database versions not stated): 1000 Genomes Project 30x 0.00125; 1000 Genomes Project 0.00140; TOPMed 0.00258; gnomAD 0.00259; ESP Exome Variant Server 0.00277; ExAC 0.00337; gnomAD exomes 0.00387.
gnomAD v4.1: 6,009 of 1,612,098 alleles (0.37%); highest among the groups gnomAD compares: Non-Finnish European, 0.46%; 22 homozygotes.

Submission:

CeGaT Center for Human Genetics Tuebingen
Classification: Likely benign. Last evaluated: 2026-09-01. Review status: criteria provided, single submitter. Criteria: CeGaT Center For Human Genetics Tuebingen Variant Classification Criteria Version 2. Collection method: clinical testing. Allele origin: germline. Affected: yes. Observed: 8 variant alleles.
Comment: POLRMT: BP4, BP7, BS2

NM_005035.4(POLRMT):c.3327G>A (p.Lys1109=)

Gene: POLRMT (RNA polymerase mitochondrial; minus strand). Cytogenetic location: 19p13.3.
Variant type: single nucleotide variant.
Coding change: c.3327G>A on transcript NM_005035.4 (MANE Select); coding-DNA position 3327, G replaced by A.
Protein change: p.Lys1109=; no amino-acid change (lysine 1109 retained).
Molecular consequence: synonymous variant. On other transcripts: non-coding transcript variant (1), intron variant (2).
Genome position (GRCh38, 1-based): chr19:618,583, C>T on the plus strand (G>A on the coding strand, the complement: POLRMT is on the minus strand). VCF-style: chr19-618583-C-T. GRCh37 (hg19) VCF-style: chr19-618583-C-T.
Other names: c.3288G>A, p.Lys1096= (NM_001407812.1); c.3285G>A, p.Lys1095= (NM_001407813.1, NM_001407811.1); c.3249G>A, p.Lys1083= (NM_001407814.1, NM_001407815.1); c.3204G>A, p.Lys1068= (NM_001407829.1); c.3102G>A, p.Lys1034= (NM_001407830.1); c.3003G>A, p.Lys1001= (NM_001407831.1, NM_001407833.1); c.2994G>A, p.Lys998= (NM_001407834.1); c.2964G>A, p.Lys988= (NM_001407835.1); and 7 more.
Identifiers: ClinVar variation 2648850 (VCV002648850.24), dbSNP rs146040672, ClinGen allele CA9019298.